The following is an entry in ClinVar:

ClinVar aggregate classification (germline): Uncertain significance. Review status: criteria provided, multiple submitters, no conflicts (2 of 4 stars). 3 submissions from 3 submitters: Uncertain significance (3). Last evaluated 2024-03-25.

Conditions:
Inborn genetic diseases. Identifiers: MedGen C0950123, MeSH D030342.
Juvenile nephropathic cystinosis. Also called: Intermediate Cystinosis; Later-Onset (Juvenile) Cystinosis; CYSTINOSIS, LATE-ONSET JUVENILE OR ADOLESCENT NEPHROPATHIC TYPE. Identifiers: Orphanet 213, Orphanet 411634, MedGen C0268626, MONDO:0009066, OMIM 219900.
Ocular cystinosis. Also called: Non-Nephropathic Cystinosis; Non-Nephropathic (Ocular) Cystinosis. Identifiers: Orphanet 213, Orphanet 411641, MedGen C2931013, MONDO:0009064, OMIM 219750.
Nephropathic cystinosis (CTNS). Also called: CYSTINOSIN, DEFECT OF; LYSOSOMAL CYSTINE TRANSPORT PROTEIN, DEFECT OF; Abderhalden Lignac Kaufmann disease; Abderhalden-Kaufmann-Lignac syndrome. Identifiers: Orphanet 213, Orphanet 411629, MedGen C2931187, MONDO:0100151, OMIM 219800.

Allele frequency attached by ClinVar (database versions not stated): gnomAD 0.00008 and 0.00009; TOPMed 0.00008.
gnomAD v4.1: 96 of 1,610,888 alleles (0.006%); highest among the groups gnomAD compares: Non-Finnish European, 0.008%; no homozygotes.

Submissions (3):

Fulgent Genetics
Classification: Uncertain significance for Ocular cystinosis; Nephropathic cystinosis; Juvenile nephropathic cystinosis. Last evaluated: 2024-03-25. Review status: criteria provided, single submitter. Criteria: ACMG Guidelines, 2015. Collection method: clinical testing. Allele origin: germline.

Ambry Genetics
Classification: Uncertain significance for Inborn genetic diseases. Last evaluated: 2023-07-25. Review status: criteria provided, single submitter. Criteria: Ambry Variant Classification Scheme 2023. Collection method: clinical testing. Allele origin: germline.

Labcorp Genetics (formerly Invitae), Labcorp
Classification: Uncertain significance for Inborn genetic diseases; Ocular cystinosis; Juvenile nephropathic cystinosis. Last evaluated: 2022-10-25. Review status: criteria provided, single submitter. Criteria: Invitae Variant Classification Sherloc (09022015). Collection method: clinical testing. Allele origin: germline.
Comment: This sequence change replaces isoleucine, which is neutral and non-polar, with leucine, which is neutral and non-polar, at codon 186 of the CTNS protein (p.Ile186Leu). This variant is present in population databases (rs548772179, gnomAD 0.009%). This variant has not been reported in the literature in individuals affected with CTNS-related conditions. ClinVar contains an entry for this variant (Variation ID: 1363251). Advanced modeling of protein sequence and biophysical properties (such as structural, functional, and spatial information, amino acid conservation, physicochemical variation, residue mobility, and thermodynamic stability) performed at Invitae indicates that this missense variant is not expected to disrupt CTNS protein function. In summary, the available evidence is currently insufficient to determine the role of this variant in disease. Therefore, it has been classified as a Variant of Uncertain Significance.

NM_004937.3(CTNS):c.556A>C (p.Ile186Leu)

Genes: CTNS (cystinosin, lysosomal cystine transporter; plus strand), CTNS-AS1 (CTNS antisense RNA 1; minus strand). Cytogenetic location: 17p13.2.
Variant type: single nucleotide variant.
Coding change: c.556A>C on transcript NM_004937.3 (MANE Select); coding-DNA position 556, A replaced by C.
Protein change: p.Ile186Leu; replaces isoleucine 186 with leucine.
Molecular consequence: missense variant.
Genome position (GRCh38, 1-based): chr17:3,656,581, A>C. VCF-style: chr17-3656581-A-C. GRCh37 (hg19) VCF-style: chr17-3559875-A-C.
Other names: c.115A>C, p.Ile39Leu (NM_001374496.1, NM_001374493.1, NM_001374494.1 and 1 more transcripts); c.556A>C (NM_004937.2); c.556A>C, p.Ile186Leu (NM_001031681.3, NM_001374492.1); short protein forms I39L, I186L.
Identifiers: ClinVar variation 1363251 (VCV001363251.7), dbSNP rs548772179, ClinGen allele CA8291772.
Genomic context (GRCh38, chr17:3,656,581, plus strand): 5'-AACCTGACGGGCTTCGTGGCCTACAGTGTATTCAACATCGGCCTCCTCTGGGTGCCCTAC[A>C]TCAAGGTACGGCCTTGCCTGCCCTACATCTCTGCCCACATGGCGTGGTGGCCCGGCTGCC-3'
Protein context (NP_004928.2, residues 176-196): FNIGLLWVPY[Ile186Leu]KEQFLLKYPN